The following is an entry in ClinVar:

NM_000466.3(PEX1):c.2464_2477dup (p.Leu826fs)

Gene: PEX1 (peroxisomal biogenesis factor 1; minus strand). Cytogenetic location: 7q21.2.
Variant type: Duplication.
Coding change: c.2464_2477dup on transcript NM_000466.3 (MANE Select); coding-DNA positions 2464 to 2477, 14 bases duplicated (CTTCCTGCGTCTTT).
Protein change: p.Leu826fs; shifts the reading frame from leucine 826.
Molecular consequence: frameshift variant.
Genome position (GRCh38, 1-based): chr7:92,501,613-92,501,626, AAAGACGCAGGAAG duplicated on the plus strand (CTTCCTGCGTCTTT on the coding strand, the reverse complement: PEX1 is on the minus strand); duplicating any 14 consecutive bases within chr7:92,501,613-92,501,629 gives the same sequence; the c. name uses the placement nearest the transcript's 3' end. VCF-style (leftmost placement, unchanged base first): chr7-92501612-C-CAAAGACGCAGGAAG. GRCh37 (hg19) VCF-style: chr7-92130926-C-CAAAGACGCAGGAAG.
Other names: c.2293_2306dup, p.Leu769fs (NM_001282677.2); c.1840_1853dup, p.Leu618fs (NM_001282678.2); short protein forms L618fs, L826fs, L769fs.
Identifiers: ClinVar variation 1451905 (VCV001451905.9), dbSNP rs1463323645, ClinGen allele CA576706749.

ClinVar aggregate classification (germline): Pathogenic. Review status: criteria provided, multiple submitters, no conflicts (2 of 4 stars). 2 submissions from 2 submitters: Pathogenic (2). Last evaluated 2023-04-01.

Conditions:
Zellweger spectrum disorders (ZS). Also called: Zellweger Spectrum Disorder (ZSD); Zellweger Spectrum Disorder; Zellweger Spectrum; Zellweger syndrome. Identifiers: Orphanet 912, MedGen C0043459, MONDO:0019609.
Heimler syndrome 1 (HMLR1). Also called: PEROXISOME BIOGENESIS DISORDER 1C. Identifiers: Orphanet 3220, MedGen C4551980, OMIM 234580, MONDO:0024544.

Submissions (2):

Baylor Genetics
Classification: Pathogenic for Heimler syndrome 1. Last evaluated: 2023-04-01. Review status: criteria provided, single submitter. Criteria: ACMG Guidelines, 2015. Collection method: clinical testing. Allele origin: unknown.

Labcorp Genetics (formerly Invitae), Labcorp
Classification: Pathogenic for Zellweger spectrum disorders. Last evaluated: 2023-01-14. Review status: criteria provided, single submitter. Criteria: Invitae Variant Classification Sherloc (09022015). Collection method: clinical testing. Allele origin: germline.
Comment: ClinVar contains an entry for this variant (Variation ID: 1451905). For these reasons, this variant has been classified as Pathogenic. This variant is also known as 14 bp insert ex15. This premature translational stop signal has been observed in individual(s) with PEX1-related conditions (PMID: 9398847). This variant is present in population databases (no rsID available, gnomAD 0.007%). This sequence change creates a premature translational stop signal (p.Leu826Phefs*70) in the PEX1 gene. It is expected to result in an absent or disrupted protein product. Loss-of-function variants in PEX1 are known to be pathogenic (PMID: 9398847, 16086329, 16141001, 21031596, 26387595, 31831025).

Literature cited by the submitters: PubMed 9398847 (cited by Labcorp Genetics (formerly Invitae), Labcorp); PubMed 16086329 (cited by Labcorp Genetics (formerly Invitae), Labcorp); PubMed 16141001 (cited by Labcorp Genetics (formerly Invitae), Labcorp); PubMed 21031596 (cited by Labcorp Genetics (formerly Invitae), Labcorp); PubMed 26387595 (cited by Labcorp Genetics (formerly Invitae), Labcorp); PubMed 31831025 (cited by Labcorp Genetics (formerly Invitae), Labcorp).